The following is an entry in ClinVar:

NM_001127222.2(CACNA1A):c.7303G>A (p.Asp2435Asn)

Gene: CACNA1A (calcium voltage-gated channel subunit alpha1 A; minus strand). Cytogenetic location: 19p13.13.
Variant type: single nucleotide variant.
Coding change: c.7303G>A on transcript NM_001127222.2 (MANE Select); coding-DNA position 7303, G replaced by A.
Protein change: p.Asp2435Asn; replaces aspartic acid 2435 with asparagine.
Molecular consequence: missense variant. On other transcripts: 3 prime UTR variant (3).
Genome position (GRCh38, 1-based): chr19:13,207,531, C>T on the plus strand (G>A on the coding strand, the complement: CACNA1A is on the minus strand). VCF-style: chr19-13207531-C-T. GRCh37 (hg19) VCF-style: chr19-13318345-C-T.
Other names: c.*515G>A (NM_000068.4, NM_001127221.2, NM_001174080.2); c.7321G>A, p.Asp2441Asn (NM_023035.3); short protein forms D2435N, D2441N.
Identifiers: ClinVar variation 4821041 (VCV004821041.4).

ClinVar aggregate classification (germline): Uncertain significance (1 of 4 stars; one submission).

gnomAD v4.1: 6 of 1,441,110 alleles (0.00042%); highest among the groups gnomAD compares: East Asian, 0.0062%; no homozygotes.

Submission:

CeGaT Center for Human Genetics Tuebingen
Classification: Uncertain significance. Last evaluated: 2026-03-01. Review status: criteria provided, single submitter. Criteria: CeGaT Center For Human Genetics Tuebingen Variant Classification Criteria Version 2. Collection method: clinical testing. Allele origin: germline. Affected: yes. Observed: 1 variant allele.
Comment: CACNA1A: PP3